The following is an entry in ClinVar:

NM_198859.4(PRICKLE2):c.1006C>T (p.Arg336Cys)

Gene: PRICKLE2 (prickle planar cell polarity protein 2; minus strand). Cytogenetic location: 3p14.1.
Variant type: single nucleotide variant.
Coding change: c.1006C>T on transcript NM_198859.4 (MANE Select); coding-DNA position 1006, C replaced by T.
Protein change: p.Arg336Cys; replaces arginine 336 with cysteine.
Molecular consequence: missense variant.
Genome position (GRCh38, 1-based): chr3:64,147,484, G>A on the plus strand (C>T on the coding strand, the complement: PRICKLE2 is on the minus strand). VCF-style: chr3-64147484-G-A. GRCh37 (hg19) VCF-style: chr3-64133160-G-A.
Other names: c.1006C>T, p.Arg336Cys (NM_001370528.1); short protein forms R336C.
Identifiers: ClinVar variation 2070782 (VCV002070782.4), dbSNP rs375548121, ClinGen allele CA2479706.

ClinVar aggregate classification (germline): Uncertain significance (1 of 4 stars; one submission).

Conditions:
Progressive myoclonic epilepsy type 5. Identifiers: Orphanet 402082, MedGen C5190799.

Allele frequency attached by ClinVar (database versions not stated): ExAC 0.00001; gnomAD 0.00001; TOPMed 0.00004; ESP Exome Variant Server 0.00008.

Submission:

Labcorp Genetics (formerly Invitae), Labcorp
Classification: Uncertain significance for Progressive myoclonic epilepsy type 5. Last evaluated: 2022-08-06. Review status: criteria provided, single submitter. Criteria: Invitae Variant Classification Sherloc (09022015). Collection method: clinical testing. Allele origin: germline.
Comment: In summary, the available evidence is currently insufficient to determine the role of this variant in disease. Therefore, it has been classified as a Variant of Uncertain Significance. Algorithms developed to predict the effect of missense changes on protein structure and function are either unavailable or do not agree on the potential impact of this missense change (SIFT: "Deleterious"; PolyPhen-2: "Benign"; Align-GVGD: "Class C45"). This variant has not been reported in the literature in individuals affected with PRICKLE2-related conditions. This variant is present in population databases (rs375548121, gnomAD 0.01%). This sequence change replaces arginine, which is basic and polar, with cysteine, which is neutral and slightly polar, at codon 336 of the PRICKLE2 protein (p.Arg336Cys).